The following is an entry in ClinVar:

NM_001378454.1(ALMS1):c.9884C>T (p.Thr3295Ile)

Gene: ALMS1 (ALMS1 centrosome and basal body associated protein; plus strand). Cytogenetic location: 2p13.1.
Variant type: single nucleotide variant.
Coding change: c.9884C>T on transcript NM_001378454.1 (MANE Select); coding-DNA position 9884, C replaced by T.
Protein change: p.Thr3295Ile; replaces threonine 3295 with isoleucine.
Molecular consequence: missense variant.
Genome position (GRCh38, 1-based): chr2:73,534,926, C>T. VCF-style: chr2-73534926-C-T. GRCh37 (hg19) VCF-style: chr2-73762053-C-T.
Other names: c.9887C>T, p.Thr3296Ile (NM_015120.4); short protein forms T3296I, T3295I.
Identifiers: ClinVar variation 4730664 (VCV004730664.1).

ClinVar aggregate classification (germline): Uncertain significance (1 of 4 stars; one submission).

Conditions:
Alstrom syndrome (ALMS). Identifiers: Orphanet 64, MedGen C0268425, MONDO:0008763, OMIM 203800.

Submission:

Labcorp Genetics (formerly Invitae), Labcorp
Classification: Uncertain significance for Alstrom syndrome. Last evaluated: 2025-11-06. Review status: criteria provided, single submitter. Criteria: Invitae Variant Classification Sherloc (09022015). Collection method: clinical testing. Allele origin: germline.
Comment: This sequence change replaces threonine, which is neutral and polar, with isoleucine, which is neutral and non-polar, at codon 3296 of the ALMS1 protein (p.Thr3296Ile). This variant is not present in population databases (gnomAD no frequency). This variant has not been reported in the literature in individuals affected with ALMS1-related conditions. Experimental studies and prediction algorithms are not available or were not evaluated, and the functional significance of this variant is currently unknown. In summary, the available evidence is currently insufficient to determine the role of this variant in disease. Therefore, it has been classified as a Variant of Uncertain Significance.